The following is an entry in ClinVar:

ClinVar aggregate classification (germline): Uncertain significance (1 of 4 stars; one submission).

Conditions:
Dilated cardiomyopathy 1JJ (CMD1JJ). Identifiers: Orphanet 154, MedGen C3808935, MONDO:0014095, OMIM 615235.

Submission:

Labcorp Genetics (formerly Invitae), Labcorp
Classification: Uncertain significance for Dilated cardiomyopathy 1JJ. Last evaluated: 2021-10-14. Review status: criteria provided, single submitter. Criteria: Invitae Variant Classification Sherloc (09022015). Collection method: clinical testing. Allele origin: germline.
Comment: In summary, the available evidence is currently insufficient to determine the role of this variant in disease. Therefore, it has been classified as a Variant of Uncertain Significance. Algorithms developed to predict the effect of missense changes on protein structure and function are either unavailable or do not agree on the potential impact of this missense change (SIFT: "Deleterious"; PolyPhen-2: "Possibly Damaging"; Align-GVGD: "Class C0"). This variant has not been reported in the literature in individuals affected with LAMA4-related conditions. This variant is not present in population databases (ExAC no frequency). This sequence change replaces isoleucine with threonine at codon 1665 of the LAMA4 protein (p.Ile1665Thr). The isoleucine residue is moderately conserved and there is a moderate physicochemical difference between isoleucine and threonine.

NM_001105206.3(LAMA4):c.5015T>C (p.Ile1672Thr)

Gene: LAMA4 (laminin subunit alpha 4; minus strand). Cytogenetic location: 6q21.
Variant type: single nucleotide variant.
Coding change: c.5015T>C on transcript NM_001105206.3 (MANE Select); coding-DNA position 5015, T replaced by C.
Protein change: p.Ile1672Thr; replaces isoleucine 1672 with threonine.
Molecular consequence: missense variant.
Genome position (GRCh38, 1-based): chr6:112,115,960, A>G on the plus strand (T>C on the coding strand, the complement: LAMA4 is on the minus strand). VCF-style: chr6-112115960-A-G. GRCh37 (hg19) VCF-style: chr6-112437163-A-G.
Other names: c.4994T>C, p.Ile1665Thr (NM_001105207.3, NM_002290.5); short protein forms I1672T, I1665T.
Identifiers: ClinVar variation 1417800 (VCV001417800.6), dbSNP rs2114564440, ClinGen allele CA365365317.